The following is an entry in ClinVar:

ClinVar aggregate classification (germline): Pathogenic (1 of 4 stars; one submission).

Conditions:
Hereditary cancer-predisposing syndrome. Also called: Tumor predisposition; Neoplastic Syndromes, Hereditary; Hereditary Cancer Syndrome; Hereditary neoplastic syndrome. Identifiers: Orphanet 140162, MedGen C0027672, MeSH D009386, MONDO:0015356.

Submission:

Labcorp Genetics (formerly Invitae), Labcorp
Classification: Pathogenic for Hereditary cancer-predisposing syndrome. Last evaluated: 2021-10-18. Review status: criteria provided, single submitter. Criteria: Invitae Variant Classification Sherloc (09022015). Collection method: clinical testing. Allele origin: germline.
Comment: This sequence change creates a premature translational stop signal (p.Val892Glyfs*5) in the RAD50 gene. It is expected to result in an absent or disrupted protein product. Loss-of-function variants in RAD50 are known to be pathogenic (PMID: 19409520). This variant is not present in population databases (ExAC no frequency). This premature translational stop signal has been observed in individual(s) with breast and pancreatic cancer (PMID: 28687971). For these reasons, this variant has been classified as Pathogenic.

Literature cited by the submitters: PubMed 19409520; PubMed 28687971.

NM_005732.4(RAD50):c.2675_2676del (p.Val892fs)

Gene: RAD50 (RAD50 double strand break repair protein; plus strand). Cytogenetic location: 5q31.1.
Variant type: Microsatellite.
Coding change: c.2675_2676del on transcript NM_005732.4 (MANE Select); coding-DNA positions 2675 to 2676, 2 bases deleted (TG; older notation c.2675_2676delTG).
Protein change: p.Val892fs; shifts the reading frame from valine 892.
Molecular consequence: frameshift variant.
Genome position (GRCh38, 1-based): chr5:132,604,956-132,604,957, TG deleted; deleting any 2 consecutive bases within chr5:132,604,954-132,604,957 gives the same sequence; the c. name uses the placement nearest the transcript's 3' end. VCF-style (leftmost placement, unchanged base first): chr5-132604953-CTG-C. GRCh37 (hg19) VCF-style: chr5-131940645-CTG-C.
Other names: short protein forms V892fs.
Identifiers: ClinVar variation 1455121 (VCV001455121.6), dbSNP rs2149847837, ClinGen allele CA2580613661.